The following is an entry in ClinVar:

NM_001370259.2(MEN1):c.1099del (p.Glu366_Val367insTer)

Gene: MEN1 (menin 1; minus strand). Cytogenetic location: 11q13.1.
Variant type: Deletion.
Coding change: c.1099del on transcript NM_001370259.2 (MANE Select); coding-DNA position 1099, one base deleted (G; older notation c.1099delG).
Protein change: p.Glu366_Val367insTer.
Molecular consequence: nonsense. On other transcripts: frameshift variant (11).
Genome position (GRCh38, 1-based): chr11:64,805,721, C deleted on the plus strand (G on the coding strand, the reverse complement: MEN1 is on the minus strand). VCF-style (leftmost placement, unchanged base first): chr11-64805720-AC-A. GRCh37 (hg19) VCF-style: chr11-64573192-AC-A.
Other names: c.1114del, p.Glu371_Val372insTer (NM_000244.4, NM_130800.3, NM_130801.3 and 3 more transcripts); c.1225del, p.Glu408_Val409insTer (NM_001370251.2); c.1099del, p.Glu366_Val367insTer (NM_001370260.2, NM_001370261.2, NM_130799.3); c.994del, p.Glu331_Val332insTer (NM_001370262.2, NM_001370263.2); c.1225delG, p.Val409Terfs (NM_001407142.1, NM_001407143.1, NM_001407144.1); c.1114delG, p.Val372Terfs (NM_001407145.1); c.1099delG, p.Val367Terfs (NM_001407146.1, NM_001407147.1, NM_001407152.1); c.994delG, p.Val332Terfs (NM_001407148.1, NM_001407149.1); and 2 more.
Identifiers: ClinVar variation 1791546 (VCV001791546.5), dbSNP rs2497159427, ClinGen allele CA2580084465.

ClinVar aggregate classification (germline): Pathogenic. Review status: criteria provided, multiple submitters, no conflicts (2 of 4 stars). 2 submissions from 2 submitters: Pathogenic (2). Last evaluated 2024-08-31.

Conditions:
Multiple endocrine neoplasia, type 1 (MEN1). Also called: MEA I; MEN I; WERMER SYNDROME; Endocrine adenomatosis multiple; MEN 1. Identifiers: Orphanet 652, MedGen C0025267, MeSH D018761, MONDO:0007540, OMIM 131100.
Hereditary cancer-predisposing syndrome. Also called: Neoplastic Syndromes, Hereditary; Tumor predisposition; Hereditary neoplastic syndrome; Hereditary Cancer Syndrome. Identifiers: Orphanet 140162, MedGen C0027672, MeSH D009386, MONDO:0015356.

Submissions (2):

Labcorp Genetics (formerly Invitae), Labcorp
Classification: Pathogenic for Multiple endocrine neoplasia, type 1. Last evaluated: 2024-08-31. Review status: criteria provided, single submitter. Criteria: Invitae Variant Classification Sherloc (09022015). Collection method: clinical testing. Allele origin: germline.
Comment: This sequence change creates a premature translational stop signal (p.Val367*) in the MEN1 gene. It is expected to result in an absent or disrupted protein product. Loss-of-function variants in MEN1 are known to be pathogenic (PMID: 12112656, 17853334). This variant is not present in population databases (gnomAD no frequency). This premature translational stop signal has been observed in individual(s) with MEN1-related conditions (PMID: 10594843). ClinVar contains an entry for this variant (Variation ID: 1791546). Algorithms developed to predict the effect of sequence changes on RNA splicing suggest that this variant may disrupt the consensus splice site. For these reasons, this variant has been classified as Pathogenic.

Ambry Genetics
Classification: Pathogenic for Hereditary cancer-predisposing syndrome. Last evaluated: 2023-04-17. Review status: criteria provided, single submitter. Criteria: Ambry Variant Classification Scheme 2023. Collection method: clinical testing. Allele origin: germline.
Comment: The c.1099delG pathogenic mutation, located in coding exon 7 of the MEN1 gene, results from a deletion of one nucleotide at nucleotide position 1099, causing a translational frameshift with a predicted immediate alternate stop codon (p.V367*). This alteration is expected to result in loss of function by premature protein truncation or nonsense-mediated mRNA decay. As such, this alteration is interpreted as a disease-causing mutation.

Literature cited by the submitters: PubMed 12112656 (cited by Labcorp Genetics (formerly Invitae), Labcorp); PubMed 17853334 (cited by Labcorp Genetics (formerly Invitae), Labcorp); PubMed 10594843 (cited by Labcorp Genetics (formerly Invitae), Labcorp).